The following is an entry in ClinVar:

NM_000426.4(LAMA2):c.8709del (p.Tyr2904fs)

Gene: LAMA2 (laminin subunit alpha 2; plus strand). Cytogenetic location: 6q22.33.
Variant type: Deletion.
Coding change: c.8709del on transcript NM_000426.4 (MANE Select); coding-DNA position 8709, one base deleted (C; older notation c.8709delC).
Protein change: p.Tyr2904fs; shifts the reading frame from tyrosine 2904.
Molecular consequence: frameshift variant.
Genome position (GRCh38, 1-based): chr6:129,507,494, C deleted; the last of 2 consecutive C bases (chr6:129,507,493-129,507,494); deleting either gives the same sequence. VCF-style (leftmost placement, unchanged base first): chr6-129507492-AC-A. GRCh37 (hg19) VCF-style: chr6-129828637-AC-A.
Other names: c.8697del, p.Tyr2900fs (NM_001079823.2); short protein forms Y2900fs, Y2904fs.
Identifiers: ClinVar variation 5012703 (VCV005012703.1).

ClinVar aggregate classification (germline): Pathogenic (1 of 4 stars; one submission).

Conditions:
LAMA2-related muscular dystrophy (LAMA2-RD). Also called: Laminin alpha 2-related dystrophy. Identifiers: MedGen C5679788, MONDO:0100228.

Submission:

Myriad Genetics, Inc.
Classification: Pathogenic for LAMA2-related muscular dystrophy. Last evaluated: 2024-02-03. Review status: criteria provided, single submitter. Criteria: Myriad Autosomal Dominant, Autosomal Recessive and X-Linked Classification Criteria (2023). Collection method: clinical testing. Allele origin: unknown.
Comment: NM_000426.3(LAMA2):c.8709delC(Y2904Ifs*61) is expected to be pathogenic in the context of muscular dystrophy, LAMA2-related. This variant is predicted to lead to an abnormal or absent protein product due to the creation of a premature termination codon in LAMA2, a gene where loss-of-function variants are known to be pathogenic. Please note: this variant was assessed in the context of healthy population screening.